The following is an entry in ClinVar:

NM_014915.3(ANKRD26):c.1493C>T (p.Pro498Leu)

Gene: ANKRD26 (ankyrin repeat domain 26; minus strand). Cytogenetic location: 10p12.1.
Variant type: single nucleotide variant.
Coding change: c.1493C>T on transcript NM_014915.3 (MANE Select); coding-DNA position 1493, C replaced by T.
Protein change: p.Pro498Leu; replaces proline 498 with leucine.
Molecular consequence: missense variant.
Genome position (GRCh38, 1-based): chr10:27,060,416, G>A on the plus strand (C>T on the coding strand, the complement: ANKRD26 is on the minus strand). VCF-style: chr10-27060416-G-A. GRCh37 (hg19) VCF-style: chr10-27349345-G-A.
Other names: c.1493C>T, p.Pro498Leu (NM_001256053.2); short protein forms P498L.
Identifiers: ClinVar variation 4077983 (VCV004077983.2).

ClinVar aggregate classification (germline): Uncertain significance. Review status: criteria provided, multiple submitters, no conflicts (2 of 4 stars). 2 submissions from 2 submitters: Uncertain significance (2). Last evaluated 2025-12-29.

Conditions:
Inborn genetic diseases. Identifiers: MedGen C0950123, MeSH D030342.

Submissions (2):

Ambry Genetics
Classification: Uncertain significance for Inborn genetic diseases. Last evaluated: 2025-12-29. Review status: criteria provided, single submitter. Criteria: Ambry Variant Classification Scheme 2023. Collection method: clinical testing. Allele origin: germline.
Comment: The p.P498L variant (also known as c.1493C>T), located in coding exon 15 of the ANKRD26 gene, results from a C to T substitution at nucleotide position 1493. The proline at codon 498 is replaced by leucine, an amino acid with similar properties. This amino acid position is conserved. In addition, this alteration is predicted to be tolerated by in silico analysis. Based on the available evidence, the clinical significance of this variant remains unclear.

Revvity Omics, Revvity
Classification: Uncertain significance. Last evaluated: 2025-03-06. Review status: criteria provided, single submitter. Criteria: ACMG Guidelines, 2015. Collection method: clinical testing. Allele origin: germline.